The following is an entry in ClinVar:

NM_032043.3(BRIP1):c.2257+7G>A

Gene: BRIP1 (BRCA1 interacting DNA helicase 1; minus strand). Cytogenetic location: 17q23.2.
Variant type: single nucleotide variant.
Coding change: c.2257+7G>A on transcript NM_032043.3 (MANE Select); 7 bases into the intron after coding-DNA position 2257, G replaced by A.
Molecular consequence: intron variant.
Genome position (GRCh38, 1-based): chr17:61,744,425, C>T on the plus strand (G>A on the coding strand, the complement: BRIP1 is on the minus strand). VCF-style: chr17-61744425-C-T. GRCh37 (hg19) VCF-style: chr17-59821786-C-T.
Identifiers: ClinVar variation 1094234 (VCV001094234.12), dbSNP rs2144694497, ClinGen allele CA2499224787.

ClinVar aggregate classification (germline): Likely benign. Review status: criteria provided, multiple submitters, no conflicts (2 of 4 stars). 2 submissions from 2 submitters: Likely benign (2). Last evaluated 2026-01-30.

Conditions:
Familial cancer of breast. Also called: BREAST CANCER, FAMILIAL; hereditary breast carcinoma; Hereditary breast cancer. Identifiers: Orphanet 227535, MedGen C0346153, MONDO:0016419, OMIM 114480. Disease mechanism: loss of function.
Fanconi anemia complementation group J. Also called: BRIP1-Related Fanconi Anemia. Identifiers: Orphanet 84, MedGen C1836860, MONDO:0012187, OMIM 609054.

Submissions (2):

Labcorp Genetics (formerly Invitae), Labcorp
Classification: Likely benign for Familial cancer of breast; Fanconi anemia complementation group J. Last evaluated: 2026-01-30. Review status: criteria provided, single submitter. Criteria: Invitae Variant Classification Sherloc (09022015). Collection method: clinical testing. Allele origin: germline.

Myriad Genetics, Inc.
Classification: Likely benign for Familial cancer of breast. Last evaluated: 2024-09-03. Review status: criteria provided, single submitter. Criteria: Myriad Autosomal Dominant, Autosomal Recessive and X-Linked Classification Criteria (2023). Collection method: clinical testing. Allele origin: unknown.
Comment: This variant is considered likely benign. This variant is intronic and is not expected to impact mRNA splicing.